The following is an entry in ClinVar:

ClinVar aggregate classification (germline): Uncertain significance. Review status: criteria provided, single submitter (1 of 4 stars). 2 submissions from 2 submitters: Uncertain significance (1). 1 of the submissions does not count toward it. Last evaluated 2024-03-04.

Conditions:
Leber congenital amaurosis (LCA). Also called: Leber's amaurosis. Identifiers: Orphanet 65, MedGen C0339527, MeSH D057130, MONDO:0018998.

Allele frequency attached by ClinVar (database versions not stated): gnomAD exomes below 0.00001.
gnomAD v4.1: 1 of 1,592,188 alleles (0.000063%); highest among the groups gnomAD compares: Non-Finnish European, 0.000086%; no homozygotes.

Submissions (2):

Blueprint Genetics
Classification: Uncertain significance. Last evaluated: 2024-03-04. Review status: criteria provided, single submitter. Criteria: ACMG Guidelines, 2015. Collection method: clinical testing. Allele origin: germline.

Rui Chen Lab, Baylor College of Medicine
Classification: Pathogenic for Leber congenital amaurosis. Last evaluated: 2017-05-09. Review status: no assertion criteria provided. Collection method: research. Allele origin: germline. Affected: yes. Not counted in ClinVar's aggregate classification.
Comment: An in vitrominigene system was used to confirm that the variant disrupts splicing

NM_000440.3(PDE6A):c.2027+5G>T

Gene: PDE6A (phosphodiesterase 6A; minus strand). Cytogenetic location: 5q32.
Variant type: single nucleotide variant.
Coding change: c.2027+5G>T on transcript NM_000440.3 (MANE Select); 5 bases into the intron after coding-DNA position 2027, G replaced by T.
Molecular consequence: intron variant.
Genome position (GRCh38, 1-based): chr5:149,884,474, C>A on the plus strand (G>T on the coding strand, the complement: PDE6A is on the minus strand). VCF-style: chr5-149884474-C-A. GRCh37 (hg19) VCF-style: chr5-149264037-C-A.
Identifiers: ClinVar variation 427858 (VCV000427858.3), dbSNP rs794727166, ClinGen allele CA658657557.